The following is an entry in ClinVar:

NM_006073.4(TRDN):c.1282C>G (p.Arg428Gly)

Gene: TRDN (triadin; minus strand). Cytogenetic location: 6q22.31.
Variant type: single nucleotide variant.
Coding change: c.1282C>G on transcript NM_006073.4 (MANE Select); coding-DNA position 1282, C replaced by G.
Protein change: p.Arg428Gly; replaces arginine 428 with glycine.
Molecular consequence: missense variant.
Genome position (GRCh38, 1-based): chr6:123,366,174, G>C on the plus strand (C>G on the coding strand, the complement: TRDN is on the minus strand). VCF-style: chr6-123366174-G-C. GRCh37 (hg19) VCF-style: chr6-123687319-G-C.
Other names: c.1285C>G, p.Arg429Gly (NM_001251987.2); short protein forms R428G, R429G.
Identifiers: ClinVar variation 264241 (VCV000264241.7), dbSNP rs202219343, ClinGen allele CA3984018.

ClinVar aggregate classification (germline): Conflicting classifications of pathogenicity. Review status: criteria provided, conflicting classifications (1 of 4 stars). 3 submissions from 3 submitters: Uncertain significance (2); Likely benign (1). Last evaluated 2025-12-09.

Conditions:
Cardiovascular phenotype. Identifiers: MedGen CN230736.
Catecholaminergic polymorphic ventricular tachycardia 1. Also called: VENTRICULAR TACHYCARDIA, STRESS-INDUCED POLYMORPHIC 1; VENTRICULAR TACHYCARDIA, CATECHOLAMINERGIC POLYMORPHIC, 1, WITH OR WITHOUT ATRIAL DYSFUNCTION AND/OR DILATED CARDIOMYOPATHY; RYR2-Related Catecholaminergic Polymorphic Ventricular Tachycardia. Identifiers: Orphanet 3286, MedGen C1631597, MONDO:0011484, OMIM 604772.
Catecholaminergic polymorphic ventricular tachycardia 5 (CARDAR). Also called: Ventricular tachycardia, catecholaminergic polymorphic, 5, with or without muscle weakness; CARDIAC ARRHYTHMIA SYNDROME, WITH OR WITHOUT SKELETAL MUSCLE WEAKNESS. Identifiers: Orphanet 3286, MedGen C3809536, MONDO:0014191, OMIM 615441.

Allele frequency attached by ClinVar (database versions not stated): TOPMed 0.00002.
gnomAD v4.1: 48 of 1,612,426 alleles (0.003%); highest among the groups gnomAD compares: Non-Finnish European, 0.0041%; no homozygotes.

Submissions (3):

Labcorp Genetics (formerly Invitae), Labcorp
Classification: Uncertain significance for Catecholaminergic polymorphic ventricular tachycardia 1. Last evaluated: 2025-12-09. Review status: criteria provided, single submitter. Criteria: Invitae Variant Classification Sherloc (09022015). Collection method: clinical testing. Allele origin: germline.
Comment: This sequence change replaces arginine, which is basic and polar, with glycine, which is neutral and non-polar, at codon 428 of the TRDN protein (p.Arg428Gly). This variant is present in population databases (rs202219343, gnomAD 0.01%). This variant has not been reported in the literature in individuals affected with TRDN-related conditions. ClinVar contains an entry for this variant (Variation ID: 264241). Invitae Evidence Modeling of protein sequence and biophysical properties (such as structural, functional, and spatial information, amino acid conservation, physicochemical variation, residue mobility, and thermodynamic stability) indicates that this missense variant is not expected to disrupt TRDN protein function with a negative predictive value of 80%. In summary, the available evidence is currently insufficient to determine the role of this variant in disease. Therefore, it has been classified as a Variant of Uncertain Significance.

Ambry Genetics
Classification: Likely benign for Cardiovascular phenotype. Last evaluated: 2024-02-12. Review status: criteria provided, single submitter. Criteria: Ambry Variant Classification Scheme 2023. Collection method: clinical testing. Allele origin: germline.

Fulgent Genetics
Classification: Uncertain significance for Catecholaminergic polymorphic ventricular tachycardia 1; Catecholaminergic polymorphic ventricular tachycardia 5. Last evaluated: 2022-04-12. Review status: criteria provided, single submitter. Criteria: ACMG Guidelines, 2015. Collection method: clinical testing. Allele origin: unknown.